The following is an entry in ClinVar:

NM_002303.6(LEPR):c.1132C>G (p.Gln378Glu)

Gene: LEPR (leptin receptor; plus strand). Cytogenetic location: 1p31.3.
Variant type: single nucleotide variant.
Coding change: c.1132C>G on transcript NM_002303.6 (MANE Select); coding-DNA position 1132, C replaced by G.
Protein change: p.Gln378Glu; replaces glutamine 378 with glutamic acid.
Molecular consequence: missense variant.
Genome position (GRCh38, 1-based): chr1:65,601,529, C>G. VCF-style: chr1-65601529-C-G. GRCh37 (hg19) VCF-style: chr1-66067212-C-G.
Other names: c.1132C>G, p.Gln378Glu (NM_001003679.3, NM_001003680.3, NM_001198687.2 and 2 more transcripts); short protein forms Q378E.
Identifiers: ClinVar variation 4986122 (VCV004986122.1).

ClinVar aggregate classification (germline): Uncertain significance (1 of 4 stars; one submission).

Conditions:
LEPR-related disorder. Also called: LEPR-related disorders; LEPR-related condition.

gnomAD v4.1: 39 of 1,613,740 alleles (0.0024%); highest among the groups gnomAD compares: Non-Finnish European, 0.0029%; no homozygotes.

Submission:

PreventionGenetics, part of Exact Sciences
Classification: Uncertain significance for LEPR-related condition. Last evaluated: 2025-05-14. Review status: criteria provided, single submitter. Criteria: ACMG Guidelines, 2015. Collection method: clinical testing. Allele origin: germline.
Comment: The LEPR c.1132C>G variant is predicted to result in the amino acid substitution p.Gln378Glu. To our knowledge, this variant has not been reported in the literature. This variant is reported in 0.0023% of alleles in individuals of European (Non-Finnish) descent in gnomAD. At this time, the clinical significance of this variant is uncertain due to the absence of conclusive functional and genetic evidence.